The following is an entry in ClinVar:

NM_001267550.2(TTN):c.49457G>A (p.Trp16486Ter)

Genes: TTN (titin; minus strand), TTN-AS1 (TTN antisense RNA 1; plus strand). Cytogenetic location: 2q31.2.
Variant type: single nucleotide variant.
Coding change: c.49457G>A on transcript NM_001267550.2 (MANE Select); coding-DNA position 49457, G replaced by A.
Protein change: p.Trp16486Ter; replaces tryptophan 16486 with a stop codon.
Molecular consequence: nonsense.
Genome position (GRCh38, 1-based): chr2:178,613,826, C>T on the plus strand (G>A on the coding strand, the complement: TTN is on the minus strand). VCF-style: chr2-178613826-C-T. GRCh37 (hg19) VCF-style: chr2-179478553-C-T.
Other names: c.44534G>A, p.Trp14845Ter (NM_001256850.1); c.22262G>A, p.Trp7421Ter (NM_003319.4); c.41753G>A, p.Trp13918Ter (NM_133378.4); c.22637G>A, p.Trp7546Ter (NM_133432.3); c.22838G>A, p.Trp7613Ter (NM_133437.4); short protein forms W13918*, W14845*, W16486*, W7421*, W7546*, W7613*.
Identifiers: ClinVar variation 3776129 (VCV003776129.1).

ClinVar aggregate classification (germline): Likely pathogenic (1 of 4 stars; one submission).

Conditions:
Dilated cardiomyopathy 1G (CMD1G). Identifiers: Orphanet 154, MedGen C1858763, MONDO:0011400, OMIM 604145.

gnomAD v4.1: 1 of 1,612,608 alleles (0.000062%); highest among the groups gnomAD compares: Admixed American, 0.0017%; no homozygotes.

Submission:

3billion
Classification: Likely pathogenic for Dilated cardiomyopathy 1G. Last evaluated: 2024-02-07. Review status: criteria provided, single submitter. Criteria: ACMG Guidelines, 2015. Collection method: clinical testing. Allele origin: germline. Affected: yes.
Comment: The variant is observed at an extremely low frequency in the gnomAD v2.1.1 dataset (total allele frequency: <0.001%). Predicted Consequence/Location: Stop-gained (nonsense): predicted to result in a loss or disruption of normal protein function through nonsense-mediated decay (NMD) or protein truncation. Multiple pathogenic variants are reported downstream of the variant. Therefore, this variant is classified as Likely pathogenic according to the recommendation of ACMG/AMP guideline.